The following is an entry in ClinVar:

NM_001353453.3(CCDC160):c.898G>C (p.Glu300Gln)

Gene: CCDC160 (coiled-coil domain containing 160; plus strand). Cytogenetic location: Xq26.2.
Variant type: single nucleotide variant.
Coding change: c.898G>C on transcript NM_001353453.3 (MANE Select); coding-DNA position 898, G replaced by C.
Protein change: p.Glu300Gln; replaces glutamic acid 300 with glutamine.
Molecular consequence: missense variant.
Genome position (GRCh38, 1-based): chrX:134,245,698, G>C. VCF-style: chrX-134245698-G-C. GRCh37 (hg19) VCF-style: chrX-133379728-G-C.
Other names: c.898G>C, p.Glu300Gln (NM_001101357.3, NM_001393996.1); short protein forms E300Q.
Identifiers: ClinVar variation 5033789 (VCV005033789.1).

ClinVar aggregate classification (germline): Uncertain significance (1 of 4 stars; one submission).

gnomAD v4.1: 2 of 1,196,297 alleles (0.00017%); highest among the groups gnomAD compares: Admixed American, 0.0046%; no homozygotes.

Submission:

Ambry Genetics
Classification: Uncertain significance. Last evaluated: 2026-08-31. Review status: criteria provided, single submitter. Criteria: Ambry Variant Classification Scheme 2023. Collection method: clinical testing. Allele origin: germline.
Comment: The c.898G>C (p.E300Q) alteration is located in exon 2 (coding exon 1) of the CCDC160 gene. This alteration results from a G to C substitution at nucleotide position 898, causing the glutamic acid (E) at amino acid position 300 to be replaced by a glutamine (Q). Based on data from gnomAD, the C allele has an overall frequency of 0.001% (2/161109) total alleles studied. The highest observed frequency was 0.008% (2/24176) of Latino alleles. Based on insufficient or conflicting evidence, the clinical significance of this alteration remains unclear.